The following is an entry in ClinVar:

NM_001253852.3(AP4B1):c.-78A>G

Genes: AP4B1 (adaptor related protein complex 4 subunit beta 1; minus strand), DCLRE1B (DNA cross-link repair 1B; plus strand), LOC129931235 (ATAC-STARR-seq lymphoblastoid active region 1540; plus strand). Cytogenetic location: 1p13.2.
Variant type: single nucleotide variant.
Coding change: c.-78A>G on transcript NM_001253852.3 (MANE Select); 78 bases upstream of the start codon, A replaced by G.
Molecular consequence: 5 prime UTR variant. On other transcripts: splice acceptor variant (9), intron variant (1).
Genome position (GRCh38, 1-based): chr1:113,904,795, T>C on the plus strand (A>G on the coding strand, the complement: AP4B1 is on the minus strand). VCF-style: chr1-113904795-T-C. GRCh37 (hg19) VCF-style: chr1-114447417-T-C.
Other names: c.-78A>G (NM_001308312.2, NM_001438379.1); c.-76-2A>G (NM_001438376.1, NM_001438377.1, NM_001437822.1 and 5 more transcripts); c.-245-2A>G (NM_001253853.3); c.-331+87T>C (NM_001319947.2).
Identifiers: ClinVar variation 4083470 (VCV004083470.1).

ClinVar aggregate classification (germline): Uncertain significance (1 of 4 stars; one submission).

gnomAD v4.1: 79 of 1,213,166 alleles (0.0065%); highest among the groups gnomAD compares: African/African-American, 0.091%; no homozygotes.

Submission:

GeneDx
Classification: Uncertain significance. Last evaluated: 2025-03-12. Review status: criteria provided, single submitter. Criteria: GeneDx Variant Classification Process June 2021. Collection method: clinical testing. Allele origin: germline. Affected: yes.
Comment: Canonical splice site variant predicted to result in a null allele in a gene for which loss of function is a known mechanism of disease; Has not been previously published as pathogenic or benign to our knowledge